The following is an entry in ClinVar:

NM_002972.4(SBF1):c.3488G>A (p.Arg1163His)

Gene: SBF1 (SET binding factor 1; minus strand). Cytogenetic location: 22q13.33.
Variant type: single nucleotide variant.
Coding change: c.3488G>A on transcript NM_002972.4 (MANE Select); coding-DNA position 3488, G replaced by A.
Protein change: p.Arg1163His; replaces arginine 1163 with histidine.
Molecular consequence: missense variant.
Genome position (GRCh38, 1-based): chr22:50,459,955, C>T on the plus strand (G>A on the coding strand, the complement: SBF1 is on the minus strand). VCF-style: chr22-50459955-C-T. GRCh37 (hg19) VCF-style: chr22-50898384-C-T.
Other names: p.Arg1163His; c.3488G>A (NM_002972.3); c.3491G>A, p.Arg1164His (NM_001365819.1); short protein forms R1163H, R1164H.
Identifiers: ClinVar variation 1307470 (VCV001307470.6), dbSNP rs568731072, ClinGen allele CA10316704.

ClinVar aggregate classification (germline): Conflicting classifications of pathogenicity. Review status: criteria provided, conflicting classifications (1 of 4 stars). 4 submissions from 4 submitters: Uncertain significance (3); Benign (1). Last evaluated 2025-07-22.

Conditions:
Tip-toe gait. Also called: Toe walking. Identifiers: MedGen C0427144, HP:0030051.

Allele frequency attached by ClinVar (database versions not stated): ExAC 0.00001; gnomAD exomes 0.00001; gnomAD 0.00004 and 0.00005; TOPMed 0.00004; 1000 Genomes Project 30x 0.00016; 1000 Genomes Project 0.00020.
gnomAD v4.1: 117 of 1,613,628 alleles (0.0073%); highest among the groups gnomAD compares: Middle Eastern, 0.049%; no homozygotes.

Submissions (4):

Labcorp Genetics (formerly Invitae), Labcorp
Classification: Uncertain significance. Last evaluated: 2025-07-22. Review status: criteria provided, single submitter. Criteria: Invitae Variant Classification Sherloc (09022015). Collection method: clinical testing. Allele origin: germline.
Comment: This sequence change replaces arginine, which is basic and polar, with histidine, which is basic and polar, at codon 1163 of the SBF1 protein (p.Arg1163His). This variant is present in population databases (rs568731072, gnomAD 0.004%). This variant has not been reported in the literature in individuals affected with SBF1-related conditions. ClinVar contains an entry for this variant (Variation ID: 1307470). Invitae Evidence Modeling of protein sequence and biophysical properties (such as structural, functional, and spatial information, amino acid conservation, physicochemical variation, residue mobility, and thermodynamic stability) indicates that this missense variant is expected to disrupt SBF1 protein function with a positive predictive value of 80%. In summary, the available evidence is currently insufficient to determine the role of this variant in disease. Therefore, it has been classified as a Variant of Uncertain Significance.

Practice for Gait Abnormalities, David Pomarino, Competency Network Toe Walking C/o Practice Pomarino
Classification: Benign for Tip-toe gait. Last evaluated: 2022-11-07. Review status: criteria provided, single submitter. Criteria: Pomarino et al. (Glob Med Genet. 2026). Collection method: clinical testing. Allele origin: germline. Affected: yes.

Mayo Clinic Laboratories, Mayo Clinic
Classification: Uncertain significance. Last evaluated: 2022-02-11. Review status: criteria provided, single submitter. Criteria: ACMG Guidelines, 2015. Collection method: clinical testing. Allele origin: germline. Observed: 3 variant alleles.
Comment: PP3, PM2

GeneDx
Classification: Uncertain significance. Last evaluated: 2020-06-24. Review status: criteria provided, single submitter. Criteria: GeneDx Variant Classification Process June 2021. Collection method: clinical testing. Allele origin: germline. Affected: yes.
Comment: Not observed at a significant frequency in large population cohorts (Lek et al., 2016); In silico analysis, which includes protein predictors and evolutionary conservation, supports a deleterious effect; Has not been previously published as pathogenic or benign to our knowledge